The following is an entry in ClinVar:

NM_001048174.2(MUTYH):c.381G>A (p.Lys127=)

Gene: MUTYH (mutY DNA glycosylase; minus strand). Cytogenetic location: 1p34.1.
Variant type: single nucleotide variant.
Coding change: c.381G>A on transcript NM_001048174.2 (MANE Select); coding-DNA position 381, G replaced by A.
Protein change: p.Lys127=; no amino-acid change (lysine 127 retained).
Molecular consequence: synonymous variant. On other transcripts: non-coding transcript variant (2).
Genome position (GRCh38, 1-based): chr1:45,332,957, C>T on the plus strand (G>A on the coding strand, the complement: MUTYH is on the minus strand). VCF-style: chr1-45332957-C-T. GRCh37 (hg19) VCF-style: chr1-45798629-C-T.
Other names: c.381G>A, p.Lys127= (NM_001048171.2, NM_001048173.2, NM_001293195.2); c.384G>A, p.Lys128= (NM_001048172.2); c.465G>A, p.Lys155= (NM_001128425.2); c.426G>A, p.Lys142= (NM_001293190.2); c.414G>A, p.Lys138= (NM_001293191.2); c.105G>A, p.Lys35= (NM_001293192.2, NM_001293196.2); c.36G>A, p.Lys12= (NM_001350650.2, NM_001350651.2); c.456G>A, p.Lys152= (NM_012222.3).
Identifiers: ClinVar variation 238346 (VCV000238346.21), dbSNP rs878854190, ClinGen allele CA10581811.

ClinVar aggregate classification (germline): Conflicting classifications of pathogenicity. Review status: criteria provided, conflicting classifications (1 of 4 stars). 7 submissions from 7 submitters: Uncertain significance (2); Likely benign (5). Last evaluated 2025-11-07.

Conditions:
Hereditary cancer-predisposing syndrome. Also called: Tumor predisposition; Hereditary neoplastic syndrome; Neoplastic Syndromes, Hereditary; Hereditary Cancer Syndrome. Identifiers: Orphanet 140162, MedGen C0027672, MeSH D009386, MONDO:0015356.
Familial adenomatous polyposis 2. Also called: FAP type 2; MUTYH Polyposis; MUTYH-related attenuated familial adenomatous polyposis; COLORECTAL ADENOMATOUS POLYPOSIS, AUTOSOMAL RECESSIVE; ADENOMAS, MULTIPLE COLORECTAL, AUTOSOMAL RECESSIVE; Adenomas, multiple colorectal. Identifiers: Orphanet 220460, Orphanet 247798, MedGen C3272841, MONDO:0012041, OMIM 608456.

Allele frequency attached by ClinVar (database versions not stated): gnomAD exomes below 0.00001.
gnomAD v4.1: 2 of 1,614,132 alleles (0.00012%); highest among the groups gnomAD compares: Admixed American, 0.0017%; no homozygotes.

Submissions (7):

Quest Diagnostics Nichols Institute San Juan Capistrano
Classification: Uncertain significance. Last evaluated: 2025-11-07. Review status: criteria provided, single submitter. Criteria: Quest Diagnostics criteria. Collection method: clinical testing. Allele origin: unknown.
Comment: The MUTYH c.465G>A (p.Lys155=) synonymous variant has not been reported in individuals with MUTYH-related conditions in the published literature. The frequency of this variant in the general population (Genome Aggregation Database) is uninformative in the assessment of its pathogenicity. Analysis of this variant using software algorithms for the prediction of the effect of nucleotide changes on splicing yielded predictions that this variant does not affect MUTYH mRNA splicing. Based on the available information, we are unable to determine the clinical significance of this variant.

Labcorp Genetics (formerly Invitae), Labcorp
Classification: Likely benign for Familial adenomatous polyposis 2. Last evaluated: 2025-06-27. Review status: criteria provided, single submitter. Criteria: Invitae Variant Classification Sherloc (09022015). Collection method: clinical testing. Allele origin: germline.

Women's Health and Genetics/Laboratory Corporation of America, LabCorp
Classification: Uncertain significance. Last evaluated: 2024-05-01. Review status: criteria provided, single submitter. Criteria: LabCorp Variant Classification Summary - May 2015. Collection method: clinical testing. Allele origin: germline.

Institute for Biomarker Research, Medical Diagnostic Laboratories, L.L.C.
Classification: Likely benign for Hereditary cancer-predisposing syndrome. Last evaluated: 2024-02-20. Review status: criteria provided, single submitter. Criteria: ACMG Guidelines, 2015. Collection method: clinical testing. Allele origin: germline.

Color Diagnostics, LLC DBA Color Health
Classification: Likely benign for Hereditary cancer-predisposing syndrome. Last evaluated: 2019-10-28. Review status: criteria provided, single submitter. Criteria: ACMG Guidelines, 2015. Collection method: clinical testing. Allele origin: germline.

Ambry Genetics
Classification: Likely benign for Hereditary cancer-predisposing syndrome. Last evaluated: 2018-11-14. Review status: criteria provided, single submitter. Criteria: Ambry Variant Classification Scheme 2023. Collection method: clinical testing. Allele origin: germline.

GeneDx
Classification: Likely benign. Last evaluated: 2016-06-30. Review status: criteria provided, single submitter. Criteria: GeneDx Variant Classification (06012015). Collection method: clinical testing. Allele origin: germline. Affected: yes.
Comment: This variant is considered likely benign or benign based on one or more of the following criteria: it is a conservative change, it occurs at a poorly conserved position in the protein, it is predicted to be benign by multiple in silico algorithms, and/or has population frequency not consistent with disease.